The following is an entry in ClinVar:

NM_001267550.2(TTN):c.46536G>A (p.Trp15512Ter)

Genes: TTN (titin; minus strand), TTN-AS1 (TTN antisense RNA 1; plus strand). Cytogenetic location: 2q31.2.
Variant type: single nucleotide variant.
Coding change: c.46536G>A on transcript NM_001267550.2 (MANE Select); coding-DNA position 46536, G replaced by A.
Protein change: p.Trp15512Ter; replaces tryptophan 15512 with a stop codon.
Molecular consequence: nonsense. On other transcripts: non-coding transcript variant (1).
Genome position (GRCh38, 1-based): chr2:178,619,781, C>T on the plus strand (G>A on the coding strand, the complement: TTN is on the minus strand). VCF-style: chr2-178619781-C-T. GRCh37 (hg19) VCF-style: chr2-179484508-C-T.
Other names: c.41613G>A, p.Trp13871Ter (NM_001256850.1); c.19341G>A, p.Trp6447Ter (NM_003319.4); c.38832G>A, p.Trp12944Ter (NM_133378.4); c.19716G>A, p.Trp6572Ter (NM_133432.3); c.19917G>A, p.Trp6639Ter (NM_133437.4); short protein forms W13871*, W15512*, W6572*, W6639*, W12944*, W6447*.
Identifiers: ClinVar variation 4787312 (VCV004787312.1).

ClinVar aggregate classification (germline): Likely pathogenic (1 of 4 stars; one submission).

Conditions:
Autosomal recessive limb-girdle muscular dystrophy type 2J (LGMDR10). Also called: Limb-girdle muscular dystrophy, type 2J; MUSCULAR DYSTROPHY, LIMB-GIRDLE, AUTOSOMAL RECESSIVE 10. Identifiers: Orphanet 140922, MedGen C1837342, MONDO:0012127, OMIM 608807.
Dilated cardiomyopathy 1G (CMD1G). Identifiers: Orphanet 154, MedGen C1858763, MONDO:0011400, OMIM 604145.

Submission:

Labcorp Genetics (formerly Invitae), Labcorp
Classification: Likely pathogenic for Dilated cardiomyopathy 1G; Autosomal recessive limb-girdle muscular dystrophy type 2J. Last evaluated: 2026-01-19. Review status: criteria provided, single submitter. Criteria: Invitae Variant Classification Sherloc (09022015). Collection method: clinical testing. Allele origin: germline.
Comment: This sequence change creates a premature translational stop signal (p.Trp15512*) in the TTN gene. While this is not anticipated to result in nonsense mediated decay, it is expected to create a truncated TTN protein. This variant is not present in population databases (gnomAD no frequency). This variant has not been reported in the literature in individuals affected with TTN-related conditions. This variant is located in the I band of TTN (PMID: 25589632). Truncating variants in this region have been reported in individuals affected with autosomal recessive centronuclear myopathy (PMID: 23975875, internal data). Truncating variants in this region have also been identified in individuals affected with autosomal dominant dilated cardiomyopathy and/or cardio-related conditions (PMID: 27869827, 32964742, internal data). In summary, the currently available evidence indicates that the variant is pathogenic, but additional data are needed to prove that conclusively. Therefore, this variant has been classified as Likely Pathogenic.

Literature cited by the submitters: PubMed 25589632; PubMed 23975875; PubMed 27869827; PubMed 32964742.